The following is an entry in ClinVar:

NM_194454.3(KRIT1):c.1561C>T (p.Gln521Ter)

Gene: KRIT1 (KRIT1 ankyrin repeat containing; minus strand). Cytogenetic location: 7q21.2.
Variant type: single nucleotide variant.
Coding change: c.1561C>T on transcript NM_194454.3 (MANE Select); coding-DNA position 1561, C replaced by T.
Protein change: p.Gln521Ter; replaces glutamine 521 with a stop codon.
Molecular consequence: nonsense.
Genome position (GRCh38, 1-based): chr7:92,221,904, G>A on the plus strand (C>T on the coding strand, the complement: KRIT1 is on the minus strand). VCF-style: chr7-92221904-G-A. GRCh37 (hg19) VCF-style: chr7-91851218-G-A.
Other names: c.1417C>T, p.Gln473Ter (NM_001013406.2, NM_001350669.1, NM_001350670.1); c.1561C>T, p.Gln521Ter (NM_001350687.1, NM_001350688.1, NM_001350689.1 and 26 more transcripts); c.847C>T, p.Gln283Ter (NM_001350671.1); short protein forms Q283*, Q473*, Q521*.
Identifiers: ClinVar variation 1678641 (VCV001678641.3), dbSNP rs2131435199, ClinGen allele CA368145254.

ClinVar aggregate classification (germline): Pathogenic/Likely pathogenic. Review status: criteria provided, multiple submitters, no conflicts (2 of 4 stars). 2 submissions from 2 submitters: Pathogenic (1); Likely pathogenic (1). Last evaluated 2022-02-02.

Conditions:
Cerebral cavernous malformation (CCM). Also called: Cavernous Hemangioma of Brain; Cerebral cavernous malformations; CAVERNOUS ANGIOMA, FAMILIAL; CAVERNOUS ANGIOMATOUS MALFORMATIONS; CEREBRAL CAPILLARY MALFORMATIONS; Cerebral cavernous hemangioma (type). Identifiers: Orphanet 221061, MedGen C2919945, MONDO:0000820, OMIM 116860, HP:0033522.
Cerebral cavernous malformation 1. Also called: Cerebral cavernous malformations 1; Familial Cerebral Cavernous Malformation 1. Identifiers: MedGen C1366911, MONDO:0020724.

Submissions (2):

Victorian Clinical Genetics Services, Murdoch Childrens Research Institute
Classification: Pathogenic for Cerebral cavernous malformation. Last evaluated: 2022-02-02. Review status: criteria provided, single submitter. Criteria: ACMG Guidelines, 2015. Collection method: clinical testing. Allele origin: germline. Inheritance: Autosomal dominant inheritance.
Comment: Based on the classification scheme VCGS_Germline_v1.3.4, this variant is classified as Pathogenic. Following criteria are met: 0102 - Loss of function is a known mechanism of disease in this gene and is associated with cavernous malformations of CNS and retina, cerebral cavernous malformations-1 (CCM) and hyperkeratotic cutaneous capillary-venous malformations associated with cerebral capillary malformations (MIM#116860). (I) 0107 - This gene is associated with autosomal dominant disease. (I) 0112 - The condition associated with this gene has incomplete penetrance. This has been reported for variants resulting in familial CCM (PMID: 16571644, OMIM). (I) 0115 - Variants in this gene are known to have variable expressivity. Intra and interfamilial variability has been reported for variants causing CCM (PMID: 29593473). (I) 0201 - Variant is predicted to cause nonsense-mediated decay (NMD) and loss of protein (premature termination codon is located at least 54 nucleotides upstream of the final exon-exon junction). (SP) 0251 - This variant is heterozygous. (I) 0301 - Variant is absent from gnomAD (both v2 and v3). (SP) 0701 - Other NMD variants comparable to the one identified in this case have very strong previous evidence for pathogenicity (ClinVar, DECIPHER). (SP) 0807 - This variant has no previous evidence of pathogenicity. (I) 0905 - No published segregation evidence has been identified for this variant. (I) 1007 - No published functional evidence has been identified for this variant. (I) 1208 - Inheritance information for this variant is not currently available in this individual. (I) Legend: (SP) - Supporting pathogenic, (I) - Information, (SB) - Supporting benign

Molecular Genetics, Royal Melbourne Hospital
Classification: Likely pathogenic for Cerebral cavernous malformation 1. Last evaluated: 2021-02-26. Review status: criteria provided, single submitter. Criteria: ACMG Guidelines, 2015. Collection method: clinical testing. Allele origin: germline. Affected: yes.
Comment: This sequence change is predicted to create a premature termination codon at position 521 in exon 14 (of 19) of KRIT1 (p.(Gln521*)), and is expected to result in nonsense mediated decay, in a gene where loss of function is a well-established mechanism of disease (ClinVar). However, this sequence change also falls in the splice region of the donor site of exon 14 and is predicted to abolish the native donor site (SpliceAI, MaxEntScan, NNSplice), either leading to exon skipping or cryptic donor site activation producing a 30 bp in-frame deletion removing part of the FERM domain. These predictions have not been confirmed with RNA analyses. The variant is absent in a large population cohort (gnomAD v2.1 and v3.1), and has not been reported in the relevant medical literature or databases. Based on the classification scheme RMH Modified ACMG Guidelines v1.3.1, this variant is classified as LIKELY PATHOGENIC. Following criteria are met: PVS1_Strong, PS4_Supporting, PM2_Supporting.

Literature cited by the submitters: PubMed 16571644 (cited by Victorian Clinical Genetics Services, Murdoch Childrens Research Institute); PubMed 29593473 (cited by Victorian Clinical Genetics Services, Murdoch Childrens Research Institute).